The following is an entry in ClinVar:

NM_000090.4(COL3A1):c.862G>T (p.Gly288Cys)

Gene: COL3A1 (collagen type III alpha 1 chain; plus strand). Cytogenetic location: 2q32.2.
Variant type: single nucleotide variant.
Coding change: c.862G>T on transcript NM_000090.4 (MANE Select); coding-DNA position 862, G replaced by T.
Protein change: p.Gly288Cys; replaces glycine 288 with cysteine.
Molecular consequence: missense variant.
Genome position (GRCh38, 1-based): chr2:188,991,496, G>T. VCF-style: chr2-188991496-G-T. GRCh37 (hg19) VCF-style: chr2-189856222-G-T.
Other names: short protein forms G288C.
Identifiers: ClinVar variation 973216 (VCV000973216.6), dbSNP rs1333066574, ClinGen allele CA349849884.

ClinVar aggregate classification (germline): Likely pathogenic. Review status: criteria provided, multiple submitters, no conflicts (2 of 4 stars). 2 submissions from 2 submitters: Likely pathogenic (2). Last evaluated 2026-06-18.

Conditions:
Familial thoracic aortic aneurysm and aortic dissection (TAAD). Also called: Thoracic aortic aneurysms and dissections. Identifiers: Orphanet 91387, MedGen C4707243, MONDO:0019625.
Ehlers-Danlos syndrome, type 4 (EDSVASC). Also called: Ehlers-Danlos syndrome vascular type; Ehlers Danlos syndrome, ecchymotic type; Ehlers Danlos syndrome, arterial type; Ehlers Danlos syndrome, Sack-Barabas type; Ehlers-Danlos Syndrome Type IV. Identifiers: Orphanet 286, MedGen C0268338, MONDO:0017314, OMIM 130050.

Allele frequency attached by ClinVar (database versions not stated): gnomAD exomes below 0.00001; TOPMed below 0.00001; gnomAD 0.00001; 1000 Genomes Project 30x 0.00016.
gnomAD v4.1: 2 of 1,607,586 alleles (0.00012%); highest among the groups gnomAD compares: Non-Finnish European, 0.00017%; no homozygotes.

Submissions (2):

Ambry Genetics
Classification: Likely pathogenic for Familial thoracic aortic aneurysm and aortic dissection. Last evaluated: 2026-06-18. Review status: criteria provided, single submitter. Criteria: Ambry Variant Classification Scheme 2023. Collection method: clinical testing. Allele origin: germline.
Comment: The c.862G>T (p.G288C) alteration is located in exon 12 (coding exon 12) of the COL3A1 gene. This alteration results from a G to T substitution at nucleotide position 862, causing the glycine (G) at amino acid position 288 to be replaced by a cysteine (C). This variant was not reported in population-based cohorts in the Genome Aggregation Database (gnomAD). This amino acid position is highly conserved in available vertebrate species. The majority (approximately two-thirds) of COL3A1 variants identified to date have involved the substitution of another amino acid for glycine within the triple-helical domain (Pepin, 2014; Frank, 2015). Internal structural analysis indicates that this alteration disrupts the characteristic G-X-Y motif in the COL3A1 protein and inserts a bulky side chain into a sterically-constrained region (Bella, 1994; Hohenester, 2008; Ambry internal data). This alteration is predicted to be deleterious by in silico analysis. Based on the available evidence, this alteration is classified as likely pathogenic.

Institute for Genomic Medicine (IGM) Clinical Laboratory, Nationwide Children's Hospital
Classification: Likely pathogenic for Ehlers-Danlos syndrome, type 4. Last evaluated: 2018-12-17. Review status: criteria provided, single submitter. Criteria: ACMG Guidelines, 2015. Collection method: clinical testing. Allele origin: germline. Affected: yes.
Comment: [ACMG/AMP: PM1, PM2, PP2, PP3] This alteration is located in a mutational hotspot and/or critical and well-established functional domain [PM1], is absent from or rarely observed in large-scale population databases [PM2], is a missense variant in a gene in which missense variants are a common mechanism of disease [PP2], is predicted to be damaging by multiple functional prediction tools [PP3].

Literature cited by the submitters: PubMed 7695699 (cited by Ambry Genetics); PubMed 19011090 (cited by Ambry Genetics); PubMed 24922459 (cited by Ambry Genetics); PubMed 25758994 (cited by Ambry Genetics).